The following is an entry in ClinVar:

ClinVar aggregate classification (germline): Uncertain significance. Review status: criteria provided, multiple submitters, no conflicts (2 of 4 stars). 2 submissions from 2 submitters: Uncertain significance (2). Last evaluated 2024-10-05.

Conditions:
Hereditary cancer-predisposing syndrome. Also called: Neoplastic Syndromes, Hereditary; Tumor predisposition; Hereditary Cancer Syndrome; Hereditary neoplastic syndrome. Identifiers: Orphanet 140162, MedGen C0027672, MeSH D009386, MONDO:0015356.

Allele frequency attached by ClinVar (database versions not stated): gnomAD exomes below 0.00001.
gnomAD v4.1: 2 of 1,613,978 alleles (0.00012%); highest among the groups gnomAD compares: Non-Finnish European, 0.00017%; no homozygotes.

Submissions (2):

Ambry Genetics
Classification: Uncertain significance for Hereditary cancer-predisposing syndrome. Last evaluated: 2024-10-05. Review status: criteria provided, single submitter. Criteria: Ambry Variant Classification Scheme 2023. Collection method: clinical testing. Allele origin: germline.
Comment: The p.P63S variant (also known as c.187C>T), located in coding exon 2 of the FH gene, results from a C to T substitution at nucleotide position 187. The proline at codon 63 is replaced by serine, an amino acid with similar properties. This amino acid position is highly conserved in available vertebrate species. In addition, this alteration is predicted to be deleterious by in silico analysis. Based on the available evidence, the clinical significance of this variant remains unclear.

Labcorp Genetics (formerly Invitae), Labcorp
Classification: Uncertain significance. Last evaluated: 2023-07-30. Review status: criteria provided, single submitter. Criteria: Invitae Variant Classification Sherloc (09022015). Collection method: clinical testing. Allele origin: germline.
Comment: This sequence change replaces proline, which is neutral and non-polar, with serine, which is neutral and polar, at codon 63 of the FH protein (p.Pro63Ser). This variant is not present in population databases (gnomAD no frequency). This variant has not been reported in the literature in individuals affected with FH-related conditions. ClinVar contains an entry for this variant (Variation ID: 640209). Advanced modeling of protein sequence and biophysical properties (such as structural, functional, and spatial information, amino acid conservation, physicochemical variation, residue mobility, and thermodynamic stability) performed at Invitae indicates that this missense variant is expected to disrupt FH protein function. In summary, the available evidence is currently insufficient to determine the role of this variant in disease. Therefore, it has been classified as a Variant of Uncertain Significance.

NM_000143.4(FH):c.187C>T (p.Pro63Ser)

Gene: FH (fumarate hydratase; minus strand). Cytogenetic location: 1q43.
Variant type: single nucleotide variant.
Coding change: c.187C>T on transcript NM_000143.4 (MANE Select); coding-DNA position 187, C replaced by T.
Protein change: p.Pro63Ser; replaces proline 63 with serine.
Molecular consequence: missense variant.
Genome position (GRCh38, 1-based): chr1:241,517,262, G>A on the plus strand (C>T on the coding strand, the complement: FH is on the minus strand). VCF-style: chr1-241517262-G-A. GRCh37 (hg19) VCF-style: chr1-241680562-G-A.
Other names: short protein forms P63S.
Identifiers: ClinVar variation 640209 (VCV000640209.7), dbSNP rs1573888488, ClinGen allele CA345441892.
Genomic context (GRCh38, chr1:241,517,262, plus strand): 5'-CTCCAATCTTAAAGTTCATCGTAGATCTCACGGTCTGGGCGCCATAATACTTATCATTTG[G>A]CACCTTTAGTTCACCAAAGGTATCATATTCTATCCGGAAGGAATTTTGGCTTGCCTAAAG-3'
Protein context (NP_000134.2, residues 53-73): EYDTFGELKV[Pro63Ser]NDKYYGAQTV